The following is an entry in ClinVar:

NM_212482.4(FN1):c.2879C>G (p.Thr960Ser)

Gene: FN1 (fibronectin 1; minus strand). Cytogenetic location: 2q35.
Variant type: single nucleotide variant.
Coding change: c.2879C>G on transcript NM_212482.4 (MANE Select); coding-DNA position 2879, C replaced by G.
Protein change: p.Thr960Ser; replaces threonine 960 with serine.
Molecular consequence: missense variant.
Genome position (GRCh38, 1-based): chr2:215,406,345, G>C on the plus strand (C>G on the coding strand, the complement: FN1 is on the minus strand). VCF-style: chr2-215406345-G-C. GRCh37 (hg19) VCF-style: chr2-216271068-G-C.
Other names: p.Thr960Ser; c.2879C>G (NM_212482.3, NM_212482.1); c.2879C>G, p.Thr960Ser (NM_001306129.2, NM_001306130.2, NM_001306131.2 and 13 more transcripts); short protein forms T960S.
Identifiers: ClinVar variation 1414102 (VCV001414102.9), dbSNP rs565714281, ClinGen allele CA2094850.

ClinVar aggregate classification (germline): Conflicting classifications of pathogenicity. Review status: criteria provided, conflicting classifications (1 of 4 stars). 4 submissions from 4 submitters: Uncertain significance (3); Likely benign (1). Last evaluated 2025-12-29.

Conditions:
Glomerulopathy with fibronectin deposits 2 (GFND2). Identifiers: Orphanet 84090, MedGen C1866075, MONDO:0011165, OMIM 601894.
Spondylometaphyseal dysplasia - Sutcliffe type. Also called: Spondylometaphyseal dysplasia, 'corner fracture' type; Spondylometaphyseal Dysplasia, Corner Fracture Type; Sutcliffe type of spondylometaphyseal dysplasia; Sutcliffe SMD. Identifiers: Orphanet 93315, MedGen C0432221, MONDO:0008479, OMIM 184255.
Inborn genetic diseases. Identifiers: MedGen C0950123, MeSH D030342.

Allele frequency attached by ClinVar (database versions not stated): ExAC 0.00003; gnomAD exomes 0.00004; gnomAD 0.00011 and 0.00012; 1000 Genomes Project 0.00020; 1000 Genomes Project 30x 0.00031; TOPMed 0.00034.
gnomAD v4.1: 35 of 1,614,228 alleles (0.0022%); highest among the groups gnomAD compares: Admixed American, 0.035%; no homozygotes.

Submissions (4):

Labcorp Genetics (formerly Invitae), Labcorp
Classification: Likely benign. Last evaluated: 2025-12-29. Review status: criteria provided, single submitter. Criteria: Invitae Variant Classification Sherloc (09022015). Collection method: clinical testing. Allele origin: germline.

Mayo Clinic Laboratories, Mayo Clinic
Classification: Uncertain significance. Last evaluated: 2023-11-06. Review status: criteria provided, single submitter. Criteria: ACMG Guidelines, 2015. Collection method: clinical testing. Allele origin: germline. Observed: 1 variant allele.
Comment: BP4

Ambry Genetics
Classification: Uncertain significance for Inborn genetic diseases. Last evaluated: 2022-12-01. Review status: criteria provided, single submitter. Criteria: Ambry Variant Classification Scheme 2023. Collection method: clinical testing. Allele origin: germline.

Fulgent Genetics
Classification: Uncertain significance for Spondylometaphyseal dysplasia - Sutcliffe type; Glomerulopathy with fibronectin deposits 2. Last evaluated: 2022-02-16. Review status: criteria provided, single submitter. Criteria: ACMG Guidelines, 2015. Collection method: clinical testing. Allele origin: unknown.